The following is an entry in ClinVar:

NM_000297.4(PKD2):c.2560G>A (p.Gly854Ser)

Gene: PKD2 (polycystin 2, transient receptor potential cation channel; plus strand). Cytogenetic location: 4q22.1.
Variant type: single nucleotide variant.
Coding change: c.2560G>A on transcript NM_000297.4 (MANE Select); coding-DNA position 2560, G replaced by A.
Protein change: p.Gly854Ser; replaces glycine 854 with serine.
Molecular consequence: missense variant. On other transcripts: non-coding transcript variant (1).
Genome position (GRCh38, 1-based): chr4:88,074,849, G>A. VCF-style: chr4-88074849-G-A. GRCh37 (hg19) VCF-style: chr4-88996001-G-A.
Other names: short protein forms G854S.
Identifiers: ClinVar variation 1489732 (VCV001489732.10), dbSNP rs1334898127, ClinGen allele CA357627570.

ClinVar aggregate classification (germline): Uncertain significance. Review status: criteria provided, multiple submitters, no conflicts (2 of 4 stars). 3 submissions from 3 submitters: Uncertain significance (3). Last evaluated 2024-01-22.

Conditions:
Inborn genetic diseases. Identifiers: MedGen C0950123, MeSH D030342.
Autosomal dominant polycystic kidney disease. Identifiers: Orphanet 730, MedGen C0085413, MONDO:0004691.

Allele frequency attached by ClinVar (database versions not stated): gnomAD exomes below 0.00001; gnomAD 0.00001; TOPMed 0.00001.

Submissions (3):

Ambry Genetics
Classification: Uncertain significance for Inborn genetic diseases. Last evaluated: 2024-01-22. Review status: criteria provided, single submitter. Criteria: Ambry Variant Classification Scheme 2023. Collection method: clinical testing. Allele origin: germline.

Labcorp Genetics (formerly Invitae), Labcorp
Classification: Uncertain significance for Autosomal dominant polycystic kidney disease. Last evaluated: 2023-12-15. Review status: criteria provided, single submitter. Criteria: Invitae Variant Classification Sherloc (09022015). Collection method: clinical testing. Allele origin: germline.
Comment: This sequence change replaces glycine, which is neutral and non-polar, with serine, which is neutral and polar, at codon 854 of the PKD2 protein (p.Gly854Ser). This variant is present in population databases (no rsID available, gnomAD 0.003%). This variant has not been reported in the literature in individuals affected with PKD2-related conditions. ClinVar contains an entry for this variant (Variation ID: 1489732). Advanced modeling of protein sequence and biophysical properties (such as structural, functional, and spatial information, amino acid conservation, physicochemical variation, residue mobility, and thermodynamic stability) performed at Invitae indicates that this missense variant is not expected to disrupt PKD2 protein function with a negative predictive value of 80%. In summary, the available evidence is currently insufficient to determine the role of this variant in disease. Therefore, it has been classified as a Variant of Uncertain Significance.

GeneDx
Classification: Uncertain significance. Last evaluated: 2022-05-15. Review status: criteria provided, single submitter. Criteria: GeneDx Variant Classification Process June 2021. Collection method: clinical testing. Allele origin: germline. Affected: yes.
Comment: Not observed at significant frequency in large population cohorts (gnomAD); In silico analysis supports that this missense variant has a deleterious effect on protein structure/function; Has not been previously published as pathogenic or benign to our knowledge